The following is an entry in ClinVar:

NM_000019.4(ACAT1):c.1068T>C (p.Phe356=)

Gene: ACAT1 (acetyl-CoA acetyltransferase 1; plus strand). Cytogenetic location: 11q22.3.
Variant type: single nucleotide variant.
Coding change: c.1068T>C on transcript NM_000019.4 (MANE Select); coding-DNA position 1068, T replaced by C.
Protein change: p.Phe356=; no amino-acid change (phenylalanine 356 retained).
Molecular consequence: synonymous variant.
Genome position (GRCh38, 1-based): chr11:108,146,264, T>C. VCF-style: chr11-108146264-T-C. GRCh37 (hg19) VCF-style: chr11-108016991-T-C.
Other names: c.1068T>C, p.Phe356= (LRG_1400t1).
Identifiers: ClinVar variation 302207 (VCV000302207.20), dbSNP rs139657823, ClinGen allele CA6263359.

ClinVar aggregate classification (germline): Benign/Likely benign. Review status: criteria provided, multiple submitters, no conflicts (2 of 4 stars). 6 submissions from 6 submitters: Benign (3); Likely benign (2). 1 of the submissions does not count toward it. Last evaluated 2026-02-04.

Conditions:
Deficiency of acetyl-CoA acetyltransferase. Also called: 3-KETOTHIOLASE DEFICIENCY; 3-OXOTHIOLASE DEFICIENCY; MITOCHONDRIAL ACETOACETYL-CoA THIOLASE DEFICIENCY; Beta-ketothiolase deficiency. Identifiers: Orphanet 134, MedGen C1536500, MONDO:0008760, OMIM 203750. Disease mechanism: loss of function.

Allele frequency attached by ClinVar (database versions not stated): gnomAD exomes 0.00030 and 0.00083; ExAC 0.00101; gnomAD 0.00292 and 0.00308; 1000 Genomes Project 30x 0.00312; TOPMed 0.00344; ESP Exome Variant Server 0.00346; 1000 Genomes Project 0.00379.
gnomAD v4.1: 922 of 1,613,808 alleles (0.057%); highest among the groups gnomAD compares: African/African-American, 1.1%; 5 homozygotes.

Submissions (6):

Labcorp Genetics (formerly Invitae), Labcorp
Classification: Benign for Deficiency of acetyl-CoA acetyltransferase. Last evaluated: 2026-02-04. Review status: criteria provided, single submitter. Criteria: Invitae Variant Classification Sherloc (09022015). Collection method: clinical testing. Allele origin: germline.

Blueprint Genetics
Classification: Likely benign. Last evaluated: 2024-07-17. Review status: criteria provided, single submitter. Criteria: ACMG Guidelines, 2015. Collection method: clinical testing. Allele origin: germline.

Fulgent Genetics
Classification: Likely benign for Deficiency of acetyl-CoA acetyltransferase. Last evaluated: 2021-09-01. Review status: criteria provided, single submitter. Criteria: ACMG Guidelines, 2015. Collection method: clinical testing. Allele origin: unknown.

Illumina Laboratory Services, Illumina
Classification: Benign for Deficiency of acetyl-CoA acetyltransferase. Last evaluated: 2018-01-12. Review status: criteria provided, single submitter. Criteria: ICSL Variant Classification Criteria 13 December 2019. Collection method: clinical testing. Allele origin: germline.
Comment: This variant was observed in the ICSL laboratory as part of a predisposition screen in an ostensibly healthy population. It had not been previously curated by ICSL or reported in the Human Gene Mutation Database (HGMD: prior to June 1st, 2018), and was therefore a candidate for classification through an automated scoring system. Utilizing variant allele frequency, disease prevalence and penetrance estimates, and inheritance mode, an automated score was calculated to assess if this variant is too frequent to cause the disease. Based on the score and internal cut-off values, a variant classified as benign is not then subjected to further curation. The score for this variant resulted in a classification of benign for this disease.

Breakthrough Genomics
Classification: Benign. Review status: criteria provided, single submitter. Criteria: ACMG Guidelines, 2015. Collection method: not provided. Allele origin: germline. Inheritance: Autosomal recessive inheritance. Affected: yes.

Natera, Inc.
Classification: Benign for Alpha-methylacetoacetic aciduria. Last evaluated: 2020-09-16. Review status: no assertion criteria provided. Collection method: clinical testing. Allele origin: germline. Not counted in ClinVar's aggregate classification.